The following is an entry in ClinVar:

NM_001928.4(CFD):c.678_679delinsAA (p.Arg227Ser)

Gene: CFD (complement factor D; plus strand). Cytogenetic location: 19p13.3.
Variant type: Indel.
Coding change: c.678_679delinsAA on transcript NM_001928.4 (MANE Select); coding-DNA positions 678 to 679, GC replaced by AA.
Protein change: p.Arg227Ser; replaces arginine 227 with serine.
Molecular consequence: missense variant.
Genome position (GRCh38, 1-based): chr19:863,154-863,155, GC replaced by AA. VCF-style: chr19-863154-GC-AA. GRCh37 (hg19) VCF-style: chr19-863154-GC-AA.
Other names: c.699_700delinsAA, p.Arg234Ser (NM_001317335.2); short protein forms R234S, R227S.
Identifiers: ClinVar variation 1376442 (VCV001376442.4), dbSNP rs2145167344, ClinGen allele CA2573155742.

ClinVar aggregate classification (germline): Uncertain significance (1 of 4 stars; one submission).

Submission:

Labcorp Genetics (formerly Invitae), Labcorp
Classification: Uncertain significance. Last evaluated: 2021-11-22. Review status: criteria provided, single submitter. Criteria: Invitae Variant Classification Sherloc (09022015). Collection method: clinical testing. Allele origin: germline.
Comment: In summary, the available evidence is currently insufficient to determine the role of this variant in disease. Therefore, it has been classified as a Variant of Uncertain Significance. Experimental studies and prediction algorithms are not available or were not evaluated, and the functional significance of this variant is currently unknown. This variant has not been reported in the literature in individuals affected with CFD-related conditions. Information on the frequency of this variant in the gnomAD database is not available, as this variant may be reported differently in the database. This variant, c.678_679delinsAA, is a complex sequence change that results in the deletion of 1 and insertion of 1 amino acid(s) in the CFD protein (p.Arg227Ser).